The following is an entry in ClinVar:

ClinVar aggregate classification (germline): Uncertain significance (1 of 4 stars; one submission).

Conditions:
Koolen-de Vries syndrome (KDVS). Identifiers: Orphanet 96169, MedGen C1864871, MONDO:0012496, OMIM 610443.

Allele frequency attached by ClinVar (database versions not stated): gnomAD exomes below 0.00001.
gnomAD v4.1: 6 of 1,614,124 alleles (0.00037%); highest among the groups gnomAD compares: Non-Finnish European, 0.00042%; no homozygotes.

Submission:

Labcorp Genetics (formerly Invitae), Labcorp
Classification: Uncertain significance for Koolen-de Vries syndrome. Last evaluated: 2021-10-14. Review status: criteria provided, single submitter. Criteria: Invitae Variant Classification Sherloc (09022015). Collection method: clinical testing. Allele origin: germline.
Comment: Due to the possible presence of a polymorphic segmental duplication, the location of the variant could not be unambiguously resolved. Variants with ambiguous mapping are still reported relative to the KANSL1 transcript. This sequence change replaces arginine with cysteine at codon 448 of the KANSL1 protein (p.Arg448Cys). The arginine residue is highly conserved and there is a large physicochemical difference between arginine and cysteine. The frequency data for this variant in the population databases (ExAC) is considered unreliable due to the presence of homologous sequence, such as pseudogenes or paralogs, in the genome. This variant has not been reported in the literature in individuals with KANSL1-related conditions. Algorithms developed to predict the effect of missense changes on protein structure and function (SIFT, PolyPhen-2, Align-GVGD) all suggest that this variant is likely to be disruptive. Until the location of this sequence change can be resolved, the clinical significance of this variant remains uncertain. It has been classified as a Variant of Uncertain Significance.

NM_015443.4(KANSL1):c.1342C>T (p.Arg448Cys)

Gene: KANSL1 (KAT8 regulatory NSL complex subunit 1). Cytogenetic location: 17q21.31.
Variant type: single nucleotide variant.
Coding change: c.1342C>T on transcript NM_015443.4 (MANE Select); coding-DNA position 1342, C replaced by T.
Protein change: p.Arg448Cys; replaces arginine 448 with cysteine.
Molecular consequence: missense variant.
Genome position (GRCh38, 1-based): chr17:46,094,649, G>A on the plus strand (C>T on the coding strand, the complement: KANSL1 is on the minus strand). VCF-style: chr17-46094649-G-A. GRCh37 (hg19) VCF-style: chr17-44172015-G-A.
Other names: c.1342C>T, p.Arg448Cys (NM_001193465.2, NM_001193466.2, NM_001379198.1); short protein forms R448C.
Identifiers: ClinVar variation 1401662 (VCV001401662.5), dbSNP rs2146947447, ClinGen allele CA399996709.